The following is an entry in ClinVar:

ClinVar aggregate classification (germline): Likely benign (1 of 4 stars; one submission).

Allele frequency attached by ClinVar (database versions not stated): gnomAD exomes below 0.00001.
gnomAD v4.1: 3 of 1,568,786 alleles (0.00019%); highest among the groups gnomAD compares: African/African-American, 0.0027%; no homozygotes.

Submission:

GeneDx
Classification: Likely benign. Last evaluated: 2017-12-27. Review status: criteria provided, single submitter. Criteria: GeneDx Variant Classification (06012015). Collection method: clinical testing. Allele origin: germline. Affected: yes.
Comment: This variant is considered likely benign or benign based on one or more of the following criteria: it is a conservative change, it occurs at a poorly conserved position in the protein, it is predicted to be benign by multiple in silico algorithms, and/or has population frequency not consistent with disease.

NM_001375808.2(LPIN2):c.193-9C>T

Gene: LPIN2 (lipin 2; minus strand). Cytogenetic location: 18p11.31.
Variant type: single nucleotide variant.
Coding change: c.193-9C>T on transcript NM_001375808.2 (MANE Select); 9 bases into the intron before coding-DNA position 193, C replaced by T.
Molecular consequence: intron variant.
Genome position (GRCh38, 1-based): chr18:2,954,608, G>A on the plus strand (C>T on the coding strand, the complement: LPIN2 is on the minus strand). VCF-style: chr18-2954608-G-A. GRCh37 (hg19) VCF-style: chr18-2954606-G-A.
Other names: c.193-9C>T (NM_014646.2, NM_001375809.1).
Identifiers: ClinVar variation 514254 (VCV000514254.1), dbSNP rs1555677691, ClinGen allele CA658798991.